The following is an entry in ClinVar:

NM_000465.4(BARD1):c.1569-3C>T

Gene: BARD1 (BRCA1 associated RING domain 1; minus strand). Cytogenetic location: 2q35.
Variant type: single nucleotide variant.
Coding change: c.1569-3C>T on transcript NM_000465.4 (MANE Select); 3 bases into the intron before coding-DNA position 1569, C replaced by T.
Molecular consequence: intron variant.
Genome position (GRCh38, 1-based): chr2:214,752,558, G>A on the plus strand (C>T on the coding strand, the complement: BARD1 is on the minus strand). VCF-style: chr2-214752558-G-A. GRCh37 (hg19) VCF-style: chr2-215617282-G-A.
Other names: c.1569-3C>T (LRG_297t1); c.159-3C>T (NM_001282548.2); c.1512-3C>T (NM_001282543.2); c.216-3C>T (NM_001282545.2); c.365-22050C>T (NM_001282549.2).
Identifiers: ClinVar variation 481373 (VCV000481373.8), dbSNP rs1553616422, ClinGen allele CA658657229.

ClinVar aggregate classification (germline): Uncertain significance. Review status: criteria provided, multiple submitters, no conflicts (2 of 4 stars). 2 submissions from 2 submitters: Uncertain significance (2). Last evaluated 2021-09-21.

Conditions:
Hereditary cancer-predisposing syndrome. Also called: Hereditary Cancer Syndrome; Neoplastic Syndromes, Hereditary; Tumor predisposition; Hereditary neoplastic syndrome. Identifiers: Orphanet 140162, MedGen C0027672, MeSH D009386, MONDO:0015356.

Submissions (2):

Ambry Genetics
Classification: Uncertain significance for Hereditary cancer-predisposing syndrome. Last evaluated: 2021-09-21. Review status: criteria provided, single submitter. Criteria: Ambry Variant Classification Scheme 2023. Collection method: clinical testing. Allele origin: germline.
Comment: The c.1569-3C>T intronic variant results from a C to T substitution 3 nucleotides upstream from coding exon 7 in the BARD1 gene. This nucleotide position is well conserved in available vertebrate species. In silico splice site analysis for this alteration is inconclusive. RNA studies have demonstrated that this alteration does not result in abnormal splicing in the set of samples tested (Ambry internal data). Since supporting evidence is limited at this time, the clinical significance of this alteration remains unclear.

Color Diagnostics, LLC DBA Color Health
Classification: Uncertain significance for Hereditary cancer-predisposing syndrome. Last evaluated: 2019-01-26. Review status: criteria provided, single submitter. Criteria: ACMG Guidelines, 2015. Collection method: clinical testing. Allele origin: germline.